The following is an entry in ClinVar:

ClinVar aggregate classification (germline): Uncertain significance (1 of 4 stars; one submission).

Submission:

OLLIN Analises Genomicas, OLLIN
Classification: Uncertain significance. Last evaluated: 2026-08-06. Review status: criteria provided, single submitter. Criteria: ACMG Guidelines 2015 PMID 25741868. Collection method: clinical testing. Allele origin: germline.
Comment: This missense variant, located in exon 4 (of 27), is absent from gnomAD and ClinVar and has not been identified in the literature. In silico analysis predicts that this variant has a tolerated effect. According to the currently available evidence, this variant has been classified as uncertain significance (PM2_P, BP4_M).

NM_032656.4(DHX37):c.446C>T (p.Ala149Val)

Gene: DHX37 (DEAH-box helicase 37; minus strand). Cytogenetic location: 12q24.31.
Variant type: single nucleotide variant.
Coding change: c.446C>T on transcript NM_032656.4 (MANE Select); coding-DNA position 446, C replaced by T.
Protein change: p.Ala149Val; replaces alanine 149 with valine.
Molecular consequence: missense variant.
Genome position (GRCh38, 1-based): chr12:124,980,782, G>A on the plus strand (C>T on the coding strand, the complement: DHX37 is on the minus strand). VCF-style: chr12-124980782-G-A. GRCh37 (hg19) VCF-style: chr12-125465328-G-A.
Other names: short protein forms A149V.
Identifiers: ClinVar variation 5002795 (VCV005002795.1).